The following is an entry in ClinVar:

ClinVar aggregate classification (germline): Conflicting classifications of pathogenicity. Review status: criteria provided, conflicting classifications (1 of 4 stars). 2 submissions from 2 submitters: Uncertain significance (1); Likely benign (1). Last evaluated 2025-09-21.

Conditions:
Congenital muscular hypertrophy-cerebral syndrome (CDLS2). Also called: Cornelia de Lange syndrome 2; SMC1A-Related Cornelia de Lange Syndrome. Identifiers: Orphanet 199, MedGen C1802395, MONDO:0010370, OMIM 300590.

Allele frequency attached by ClinVar (database versions not stated): ExAC 0.00001; gnomAD exomes 0.00002; TOPMed 0.00005; gnomAD 0.00007.
gnomAD v4.1: 19 of 1,202,009 alleles (0.0016%); highest among the groups gnomAD compares: African/African-American, 0.014%; no homozygotes.

Submissions (2):

Labcorp Genetics (formerly Invitae), Labcorp
Classification: Likely benign for Congenital muscular hypertrophy-cerebral syndrome. Last evaluated: 2025-09-21. Review status: criteria provided, single submitter. Criteria: Invitae Variant Classification Sherloc (09022015). Collection method: clinical testing. Allele origin: germline.

GeneDx
Classification: Uncertain significance. Last evaluated: 2023-01-12. Review status: criteria provided, single submitter. Criteria: GeneDx Variant Classification Process June 2021. Collection method: clinical testing. Allele origin: germline. Affected: yes.
Comment: Missense variants in this gene are often considered pathogenic (HGMD); In silico analysis supports that this missense variant has a deleterious effect on protein structure/function; Has not been previously published as pathogenic or benign to our knowledge

NM_006306.4(SMC1A):c.764G>A (p.Arg255His)

Gene: SMC1A (structural maintenance of chromosomes 1A; minus strand). Cytogenetic location: Xp11.22.
Variant type: single nucleotide variant.
Coding change: c.764G>A on transcript NM_006306.4 (MANE Select); coding-DNA position 764, G replaced by A.
Protein change: p.Arg255His; replaces arginine 255 with histidine.
Molecular consequence: missense variant.
Genome position (GRCh38, 1-based): chrX:53,412,990, C>T on the plus strand (G>A on the coding strand, the complement: SMC1A is on the minus strand). VCF-style: chrX-53412990-C-T. GRCh37 (hg19) VCF-style: chrX-53439940-C-T.
Other names: c.698G>A, p.Arg233His (NM_001281463.1); c.764G>A (NM_006306.2); short protein forms R233H, R255H.
Identifiers: ClinVar variation 833707 (VCV000833707.10), dbSNP rs782606119, ClinGen allele CA10420637.